The following is an entry in ClinVar:

ClinVar aggregate classification (germline): Pathogenic. Review status: criteria provided, multiple submitters, no conflicts (2 of 4 stars). 2 submissions from 2 submitters: Pathogenic (2). Last evaluated 2024-02-02.

Conditions:
Ataxia-telangiectasia syndrome (AT). Also called: LOUIS-BAR SYNDROME; Cerebello-oculocutaneous telangiectasia; Immunodeficiency with ataxia telangiectasia; Ataxia telangiectasia (A-T); Ataxia-telangiectasia, complementation group D; AT, COMPLEMENTATION GROUP C. Identifiers: Orphanet 100, MedGen C0004135, MONDO:0008840, OMIM 208900.
Familial cancer of breast. Also called: BREAST CANCER, FAMILIAL; Hereditary breast cancer; hereditary breast carcinoma. Identifiers: Orphanet 227535, MedGen C0346153, MONDO:0016419, OMIM 114480. Disease mechanism: loss of function.

Submissions (2):

Myriad Genetics, Inc.
Classification: Pathogenic for Familial cancer of breast. Last evaluated: 2024-02-02. Review status: criteria provided, single submitter. Criteria: Myriad Autosomal Dominant, Autosomal Recessive and X-Linked Classification Criteria (2023). Collection method: clinical testing. Allele origin: unknown.
Comment: This variant is considered pathogenic. This variant creates a frameshift predicted to result in premature protein truncation.

Labcorp Genetics (formerly Invitae), Labcorp
Classification: Pathogenic for Ataxia-telangiectasia syndrome. Last evaluated: 2023-09-21. Review status: criteria provided, single submitter. Criteria: Invitae Variant Classification Sherloc (09022015). Collection method: clinical testing. Allele origin: germline.
Comment: This variant is not present in population databases (gnomAD no frequency). For these reasons, this variant has been classified as Pathogenic. This variant has not been reported in the literature in individuals affected with ATM-related conditions. This sequence change creates a premature translational stop signal (p.Asn2826Lysfs*22) in the ATM gene. It is expected to result in an absent or disrupted protein product. Loss-of-function variants in ATM are known to be pathogenic (PMID: 23807571, 25614872).

Literature cited by the submitters: PubMed 23807571 (cited by Labcorp Genetics (formerly Invitae), Labcorp); PubMed 25614872 (cited by Labcorp Genetics (formerly Invitae), Labcorp).

NM_000051.4(ATM):c.8477dup (p.Asn2826fs)

Genes: ATM (ATM serine/threonine kinase; plus strand), C11orf65 (chromosome 11 open reading frame 65; minus strand). Cytogenetic location: 11q22.3.
Variant type: Duplication.
Coding change: c.8477dup on transcript NM_000051.4 (MANE Select); coding-DNA position 8477, one base duplicated (A; older notation c.8477dupA).
Protein change: p.Asn2826fs; shifts the reading frame from asparagine 2826.
Molecular consequence: frameshift variant. On other transcripts: intron variant (2).
Genome position (GRCh38, 1-based): chr11:108,345,801, A duplicated; the last of 4 consecutive A bases (chr11:108,345,798-108,345,801); duplicating any one gives the same sequence. VCF-style (leftmost placement, unchanged base first): chr11-108345797-C-CA. GRCh37 (hg19) VCF-style: chr11-108216524-C-CA.
Other names: c.8477dup, p.Asn2826fs (NM_001351834.2); c.641-36727dup (NM_001330368.2); c.695-10506dup (NM_001351110.2); short protein forms N2826fs.
Identifiers: ClinVar variation 2762235 (VCV002762235.4), dbSNP rs786203272, ClinGen allele CA2697558947.